The following is an entry in ClinVar:

ClinVar aggregate classification (germline): Uncertain significance. Review status: criteria provided, multiple submitters, no conflicts (2 of 4 stars). 3 submissions from 3 submitters: Uncertain significance (3). Last evaluated 2026-10-01.

Conditions:
Fanconi anemia complementation group Q. Identifiers: Orphanet 84, MedGen C3808988, MONDO:0014108, OMIM 615272.
Cockayne syndrome. Identifiers: Orphanet 191, MedGen C0009207, MONDO:0016006.
Xeroderma pigmentosum, group F (XPF). Also called: XERODERMA PIGMENTOSUM VI; XP, GROUP F; ERCC4-Related Xeroderma Pigmentosum; XERODERMA PIGMENTOSUM, COMPLEMENTATION GROUP F; XERODERMA PIGMENTOSUM, TYPE F; Xeroderma pigmentosum, type 6. Identifiers: MedGen C0268140, MONDO:0010215, OMIM 278760.
Inborn genetic diseases. Identifiers: MedGen C0950123, MeSH D030342.

Allele frequency attached by ClinVar (database versions not stated): gnomAD 0.00006 and 0.00007; ExAC 0.00007; gnomAD exomes 0.00008; TOPMed 0.00008; ESP Exome Variant Server 0.00015.
gnomAD v4.1: 77 of 1,613,594 alleles (0.0048%); highest among the groups gnomAD compares: Admixed American, 0.015%; no homozygotes.

Submissions (3):

St. Jude Molecular Pathology, St. Jude Children's Research Hospital
Classification: Uncertain significance for Xeroderma pigmentosum, group F. Last evaluated: 2026-10-01. Review status: criteria provided, single submitter. Criteria: St. Jude Assertion Criteria 2020. Collection method: clinical testing. Allele origin: germline.
Comment: The ERCC4 c.260G>A p.(Arg87His) missense change has a maximum non-founder subpopulation frequency of 0.03% in gnomAD v2.1.1. The in silico tool REVEL predicts a benign effect on protein function, but to our knowledge this prediction has not been confirmed by functional studies. To our knowledge, this variant has not been reported in the literature in individuals with Fanconi anemia or Xeroderma pigmentosum. In summary, the evidence currently available is insufficient to determine the clinical significance of this variant. It has therefore been classified as of uncertain significance.

Labcorp Genetics (formerly Invitae), Labcorp
Classification: Uncertain significance for Fanconi anemia complementation group Q; Xeroderma pigmentosum, group F; Cockayne syndrome. Last evaluated: 2026-01-08. Review status: criteria provided, single submitter. Criteria: Invitae Variant Classification Sherloc (09022015). Collection method: clinical testing. Allele origin: germline.
Comment: This sequence change replaces arginine, which is basic and polar, with histidine, which is basic and polar, at codon 87 of the ERCC4 protein (p.Arg87His). This variant is present in population databases (rs371487368, gnomAD 0.1%). This variant has not been reported in the literature in individuals affected with ERCC4-related conditions. ClinVar contains an entry for this variant (Variation ID: 541246). Invitae Evidence Modeling of protein sequence and biophysical properties (such as structural, functional, and spatial information, amino acid conservation, physicochemical variation, residue mobility, and thermodynamic stability) indicates that this missense variant is not expected to disrupt ERCC4 protein function with a negative predictive value of 80%. In summary, the available evidence is currently insufficient to determine the role of this variant in disease. Therefore, it has been classified as a Variant of Uncertain Significance.

Ambry Genetics
Classification: Uncertain significance for Inborn genetic diseases. Last evaluated: 2021-09-01. Review status: criteria provided, single submitter. Criteria: Ambry Variant Classification Scheme 2023. Collection method: clinical testing. Allele origin: germline.

NM_005236.3(ERCC4):c.260G>A (p.Arg87His)

Gene: ERCC4 (ERCC excision repair 4, endonuclease catalytic subunit; plus strand). Cytogenetic location: 16p13.12.
Variant type: single nucleotide variant.
Coding change: c.260G>A on transcript NM_005236.3 (MANE Select); coding-DNA position 260, G replaced by A.
Protein change: p.Arg87His; replaces arginine 87 with histidine.
Molecular consequence: missense variant.
Genome position (GRCh38, 1-based): chr16:13,922,083, G>A. VCF-style: chr16-13922083-G-A. GRCh37 (hg19) VCF-style: chr16-14015940-G-A.
Other names: short protein forms R87H.
Identifiers: ClinVar variation 541246 (VCV000541246.11), dbSNP rs371487368, ClinGen allele CA7910141.